The following is an entry in ClinVar:

ClinVar aggregate classification (germline): Uncertain significance (1 of 4 stars; one submission).

Conditions:
Primary ciliary dyskinesia. Also called: Ciliary dyskinesia. Identifiers: Orphanet 244, MedGen C0008780, MONDO:0016575, HP:0012265.

Allele frequency attached by ClinVar (database versions not stated): 1000 Genomes Project 30x 0.00031; ESP Exome Variant Server 0.00031.
gnomAD v4.1: 85 of 1,563,160 alleles (0.0054%); highest among the groups gnomAD compares: African/African-American, 0.05%; no homozygotes.

Submission:

Labcorp Genetics (formerly Invitae), Labcorp
Classification: Uncertain significance for Primary ciliary dyskinesia. Last evaluated: 2022-05-03. Review status: criteria provided, single submitter. Criteria: Invitae Variant Classification Sherloc (09022015). Collection method: clinical testing. Allele origin: germline.
Comment: This sequence change replaces alanine, which is neutral and non-polar, with valine, which is neutral and non-polar, at codon 263 of the DNAH8 protein (p.Ala263Val). This variant is present in population databases (rs145115573, gnomAD 0.05%). This variant has not been reported in the literature in individuals affected with DNAH8-related conditions. Algorithms developed to predict the effect of missense changes on protein structure and function output the following: SIFT: "Deleterious"; PolyPhen-2: "Not Available"; Align-GVGD: "Class C0". The valine amino acid residue is found in multiple mammalian species, which suggests that this missense change does not adversely affect protein function. In summary, the available evidence is currently insufficient to determine the role of this variant in disease. Therefore, it has been classified as a Variant of Uncertain Significance.

NM_001206927.2(DNAH8):c.788C>T (p.Ala263Val)

Gene: DNAH8 (dynein axonemal heavy chain 8; plus strand). Cytogenetic location: 6p21.2.
Variant type: single nucleotide variant.
Coding change: c.788C>T on transcript NM_001206927.2 (MANE Select); coding-DNA position 788, C replaced by T.
Protein change: p.Ala263Val; replaces alanine 263 with valine.
Molecular consequence: missense variant.
Genome position (GRCh38, 1-based): chr6:38,737,092, C>T. VCF-style: chr6-38737092-C-T. GRCh37 (hg19) VCF-style: chr6-38704868-C-T.
Other names: c.137C>T, p.Ala46Val (NM_001371.4); short protein forms A46V, A263V.
Identifiers: ClinVar variation 2046652 (VCV002046652.1), dbSNP rs145115573, ClinGen allele CA3788050.